The following is an entry in ClinVar:

ClinVar aggregate classification (germline): Pathogenic (1 of 4 stars; one submission).

Conditions:
Bardet-Biedl syndrome (BBS). Identifiers: Orphanet 110, MedGen C0752166, MONDO:0015229.

Submission:

Labcorp Genetics (formerly Invitae), Labcorp
Classification: Pathogenic for Bardet-Biedl syndrome. Last evaluated: 2021-09-09. Review status: criteria provided, single submitter. Criteria: Invitae Variant Classification Sherloc (09022015). Collection method: clinical testing. Allele origin: germline.
Comment: This sequence change creates a premature translational stop signal (p.Tyr658*) in the BBS2 gene. It is expected to result in an absent or disrupted protein product. Loss-of-function variants in BBS2 are known to be pathogenic (PMID: 11285252, 20177705, 24608809, 26518167). This variant is not present in population databases (ExAC no frequency). This variant has not been reported in the literature in individuals affected with BBS2-related conditions. For these reasons, this variant has been classified as Pathogenic.

Literature cited by the submitters: PubMed 11285252; PubMed 20177705; PubMed 24608809; PubMed 26518167.

NM_031885.5(BBS2):c.1974T>G (p.Tyr658Ter)

Gene: BBS2 (Bardet-Biedl syndrome 2; minus strand). Cytogenetic location: 16q13.
Variant type: single nucleotide variant.
Coding change: c.1974T>G on transcript NM_031885.5 (MANE Select); coding-DNA position 1974, T replaced by G.
Protein change: p.Tyr658Ter; replaces tyrosine 658 with a stop codon.
Molecular consequence: nonsense. On other transcripts: non-coding transcript variant (5).
Genome position (GRCh38, 1-based): chr16:56,485,675, A>C on the plus strand (T>G on the coding strand, the complement: BBS2 is on the minus strand). VCF-style: chr16-56485675-A-C. GRCh37 (hg19) VCF-style: chr16-56519587-A-C.
Other names: c.1974T>G, p.Tyr658Ter (NM_001377456.1); short protein forms Y658*.
Identifiers: ClinVar variation 1456521 (VCV001456521.6), dbSNP rs895581773, ClinGen allele CA395973398.